The following is an entry in ClinVar:

NM_017780.4(CHD7):c.504G>C (p.Gln168His)

Gene: CHD7 (chromodomain helicase DNA binding protein 7; plus strand). Cytogenetic location: 8q12.2.
Variant type: single nucleotide variant.
Coding change: c.504G>C on transcript NM_017780.4 (MANE Select); coding-DNA position 504, G replaced by C.
Protein change: p.Gln168His; replaces glutamine 168 with histidine.
Molecular consequence: missense variant.
Genome position (GRCh38, 1-based): chr8:60,741,936, G>C. VCF-style: chr8-60741936-G-C. GRCh37 (hg19) VCF-style: chr8-61654495-G-C.
Other names: c.504G>C, p.Gln168His (NM_001316690.1); short protein forms Q168H.
Identifiers: ClinVar variation 1312622 (VCV001312622.2), dbSNP rs2150578451, ClinGen allele CA371297688.

ClinVar aggregate classification (germline): Uncertain significance (1 of 4 stars; one submission).

Submission:

GeneDx
Classification: Uncertain significance. Last evaluated: 2020-04-13. Review status: criteria provided, single submitter. Criteria: GeneDx Variant Classification Process June 2021. Collection method: clinical testing. Allele origin: germline. Affected: yes.
Comment: Not observed in large population cohorts (Lek et al., 2016); In silico analysis supports that this missense variant does not alter protein structure/function; Has not been previously published as pathogenic or benign to our knowledge